The following is an entry in ClinVar:

ClinVar aggregate classification (germline): Uncertain significance (1 of 4 stars; one submission).

Conditions:
Brown-Vialetto-van Laere syndrome 1. Also called: BROWN-VIALETTO-VAN LAERE SYNDROME 1, MILD; BULBAR PALSY, PROGRESSIVE, WITH SENSORINEURAL DEAFNESS; PONTOBULBAR PALSY WITH DEAFNESS. Identifiers: Orphanet 572550, Orphanet 97229, MedGen C0796274, MONDO:0024537, OMIM 211530.

gnomAD v4.1: 2 of 1,606,822 alleles (0.00012%); highest among the groups gnomAD compares: Non-Finnish European, 0.00017%; no homozygotes.

Submission:

Labcorp Genetics (formerly Invitae), Labcorp
Classification: Uncertain significance for Brown-Vialetto-van Laere syndrome 1. Last evaluated: 2018-10-24. Review status: criteria provided, single submitter. Criteria: Invitae Variant Classification Sherloc (09022015). Collection method: clinical testing. Allele origin: germline.
Comment: This sequence change replaces leucine with proline at codon 445 of the SLC52A3 protein (p.Leu445Pro). The leucine residue is moderately conserved and there is a moderate physicochemical difference between leucine and proline. In summary, the available evidence is currently insufficient to determine the role of this variant in disease. Therefore, it has been classified as a Variant of Uncertain Significance. Algorithms developed to predict the effect of missense changes on protein structure and function are either unavailable or do not agree on the potential impact of this missense change (SIFT: "Deleterious"; PolyPhen-2: "Possibly Damaging"; Align-GVGD: "Class C0"). This variant has not been reported in the literature in individuals with SLC52A3-related disease. This variant is not present in population databases (ExAC no frequency).

NM_033409.4(SLC52A3):c.1334T>C (p.Leu445Pro)

Gene: SLC52A3 (solute carrier family 52 member 3; minus strand). Cytogenetic location: 20p13.
Variant type: single nucleotide variant.
Coding change: c.1334T>C on transcript NM_033409.4 (MANE Select); coding-DNA position 1334, T replaced by C.
Protein change: p.Leu445Pro; replaces leucine 445 with proline.
Molecular consequence: missense variant.
Genome position (GRCh38, 1-based): chr20:761,102, A>G on the plus strand (T>C on the coding strand, the complement: SLC52A3 is on the minus strand). VCF-style: chr20-761102-A-G. GRCh37 (hg19) VCF-style: chr20-741746-A-G.
Other names: c.1334T>C, p.Leu445Pro (NM_001370085.1, NM_001370086.1); short protein forms L445P.
Identifiers: ClinVar variation 663677 (VCV000663677.8), dbSNP rs761224042, ClinGen allele CA407961855.
Genomic context (GRCh38, chr20:761,102, plus strand): 5'-AGATTGCAGAAGTCCGCGGACGAGAAGAGCCGCAGCACGTTGACCAGAGGGAACATGAGC[A>G]GCGCTCCGAGCAGCGAGCCCAGCTGCACCGCCGCCCCGCACCACAAGAGGGCGCTGCGGC-3'
Protein context (NP_212134.3, residues 435-455): AVQLGSLLGA[Leu445Pro]LMFPLVNVLR